The following is an entry in ClinVar:

NM_000179.3(MSH6):c.1060G>C (p.Gly354Arg)

Gene: MSH6 (mutS homolog 6; plus strand). Cytogenetic location: 2p16.3.
Variant type: single nucleotide variant.
Coding change: c.1060G>C on transcript NM_000179.3 (MANE Select); coding-DNA position 1060, G replaced by C.
Protein change: p.Gly354Arg; replaces glycine 354 with arginine.
Molecular consequence: missense variant.
Genome position (GRCh38, 1-based): chr2:47,799,043, G>C. VCF-style: chr2-47799043-G-C. GRCh37 (hg19) VCF-style: chr2-48026182-G-C.
Other names: c.670G>C, p.Gly224Arg (NM_001281492.2); c.154G>C, p.Gly52Arg (NM_001281493.2, NM_001281494.2); short protein forms G354R, G52R, G224R.
Identifiers: ClinVar variation 628580 (VCV000628580.6), dbSNP rs1558660310, ClinGen allele CA346741608.

ClinVar aggregate classification (germline): Uncertain significance (1 of 4 stars; one submission).

Conditions:
Hereditary cancer-predisposing syndrome. Also called: Neoplastic Syndromes, Hereditary; Tumor predisposition; Hereditary neoplastic syndrome; Hereditary Cancer Syndrome. Identifiers: Orphanet 140162, MedGen C0027672, MeSH D009386, MONDO:0015356.

Submission:

Color Diagnostics, LLC DBA Color Health
Classification: Uncertain significance for Hereditary cancer-predisposing syndrome. Last evaluated: 2023-12-05. Review status: criteria provided, single submitter. Criteria: ACMG Guidelines, 2015. Collection method: clinical testing. Allele origin: germline.
Comment: This missense variant replaces glycine with arginine at codon 354 of the MSH6 protein. Computational prediction tools and conservation analyses suggest that this variant may not impact the protein function. Computational splicing tools suggest that this variant may not impact RNA splicing. To our knowledge, functional assays have not been performed for this variant nor has this variant been reported in individuals affected with hereditary cancer in the literature. This variant has not been identified in the general population by the Genome Aggregation Database (gnomAD). Available evidence is insufficient to determine the role of this variant in disease conclusively. Therefore, this variant is classified as a Variant of Uncertain Significance.